The following is an entry in ClinVar:

NM_006343.3(MERTK):c.1505T>C (p.Val502Ala)

Gene: MERTK (MER proto-oncogene, tyrosine kinase; plus strand). Cytogenetic location: 2q13.
Variant type: single nucleotide variant.
Coding change: c.1505T>C on transcript NM_006343.3 (MANE Select); coding-DNA position 1505, T replaced by C.
Protein change: p.Val502Ala; replaces valine 502 with alanine.
Molecular consequence: missense variant.
Genome position (GRCh38, 1-based): chr2:111,997,377, T>C. VCF-style: chr2-111997377-T-C. GRCh37 (hg19) VCF-style: chr2-112754954-T-C.
Other names: short protein forms V502A.
Identifiers: ClinVar variation 3663432 (VCV003663432.2).

ClinVar aggregate classification (germline): Uncertain significance (1 of 4 stars; one submission).

gnomAD v4.1: 1 of 1,614,210 alleles (0.000062%); highest among the groups gnomAD compares: Non-Finnish European, 0.000085%; no homozygotes.

Submission:

Labcorp Genetics (formerly Invitae), Labcorp
Classification: Uncertain significance. Last evaluated: 2024-11-18. Review status: criteria provided, single submitter. Criteria: Invitae Variant Classification Sherloc (09022015). Collection method: clinical testing. Allele origin: germline.
Comment: This sequence change replaces valine, which is neutral and non-polar, with alanine, which is neutral and non-polar, at codon 502 of the MERTK protein (p.Val502Ala). This variant is not present in population databases (gnomAD no frequency). This variant has not been reported in the literature in individuals affected with MERTK-related conditions. Invitae Evidence Modeling of protein sequence and biophysical properties (such as structural, functional, and spatial information, amino acid conservation, physicochemical variation, residue mobility, and thermodynamic stability) has been performed for this missense variant. However, the output from this modeling did not meet the statistical confidence thresholds required to predict the impact of this variant on MERTK protein function. In summary, the available evidence is currently insufficient to determine the role of this variant in disease. Therefore, it has been classified as a Variant of Uncertain Significance.